The following is an entry in ClinVar:

ClinVar aggregate classification (germline): Benign/Likely benign. Review status: criteria provided, multiple submitters, no conflicts (2 of 4 stars). 4 submissions from 4 submitters: Benign (1); Likely benign (2). 1 of the submissions does not count toward it. Last evaluated 2026-09-01.

Conditions:
ATP1A1-related disorder. Also called: ATP1A1-related condition.

Allele frequency attached by ClinVar (database versions not stated): gnomAD exomes 0.00031 and 0.00079; ExAC 0.00102; 1000 Genomes Project 0.00300; 1000 Genomes Project 30x 0.00312; gnomAD 0.00313 and 0.00341; TOPMed 0.00349; ESP Exome Variant Server 0.00461.
gnomAD v4.1: 946 of 1,614,154 alleles (0.059%); highest among the groups gnomAD compares: African/African-American, 1.1%; 7 homozygotes.

Submissions (4):

CeGaT Center for Human Genetics Tuebingen
Classification: Likely benign. Last evaluated: 2026-09-01. Review status: criteria provided, single submitter. Criteria: CeGaT Center For Human Genetics Tuebingen Variant Classification Criteria Version 2. Collection method: clinical testing. Allele origin: germline. Affected: yes. Observed: 3 variant alleles.
Comment: ATP1A1: BP4, BP7, BS1

Labcorp Genetics (formerly Invitae), Labcorp
Classification: Benign. Last evaluated: 2026-02-03. Review status: criteria provided, single submitter. Criteria: Invitae Variant Classification Sherloc (09022015). Collection method: clinical testing. Allele origin: germline.

Blueprint Genetics
Classification: Likely benign. Last evaluated: 2024-11-12. Review status: criteria provided, single submitter. Criteria: ACMG Guidelines, 2015. Collection method: clinical testing. Allele origin: germline.

PreventionGenetics, part of Exact Sciences
Classification: Benign for ATP1A1-related condition. Last evaluated: 2019-03-01. Review status: no assertion criteria provided. Collection method: clinical testing. Allele origin: germline. Not counted in ClinVar's aggregate classification.
Comment: This variant is classified as benign based on ACMG/AMP sequence variant interpretation guidelines (Richards et al. 2015 PMID: 25741868, with internal and published modifications).

NM_000701.8(ATP1A1):c.2739C>T (p.Ile913=)

Genes: ATP1A1 (ATPase Na+/K+ transporting subunit alpha 1; plus strand), ATP1A1-AS1 (ATP1A1 antisense RNA 1; minus strand). Cytogenetic location: 1p13.1.
Variant type: single nucleotide variant.
Coding change: c.2739C>T on transcript NM_000701.8 (MANE Select); coding-DNA position 2739, C replaced by T.
Protein change: p.Ile913=; no amino-acid change (isoleucine 913 retained).
Molecular consequence: synonymous variant.
Genome position (GRCh38, 1-based): chr1:116,401,150, C>T. VCF-style: chr1-116401150-C-T. GRCh37 (hg19) VCF-style: chr1-116943772-C-T.
Other names: c.2739C>T, p.Ile913= (NM_001160233.2); c.2646C>T, p.Ile882= (NM_001160234.2); c.2739C>T (NM_000701.7).
Identifiers: ClinVar variation 1653678 (VCV001653678.34), dbSNP rs114525271, ClinGen allele CA1025627.
Genomic context (GRCh38, chr1:116,401,150, plus strand): 5'-GTGAAGAGCCAGAGCTCATCTTCTGTCTTCTGCATTTCAGACCTATGAGCAGAGGAAAAT[C>T]GTGGAGTTCACCTGCCACACAGCCTTCTTCGTCAGTATCGTGGTGGTGCAGTGGGCCGAC-3'
Protein context (NP_000692.2, residues 903-923): GQQWTYEQRK[Ile913=]VEFTCHTAFF